The following is an entry in ClinVar:

ClinVar aggregate classification (germline): Uncertain significance. Review status: criteria provided, multiple submitters, no conflicts (2 of 4 stars). 2 submissions from 2 submitters: Uncertain significance (2). Last evaluated 2024-08-29.

Conditions:
Inborn genetic diseases. Identifiers: MedGen C0950123, MeSH D030342.
Charcot-Marie-Tooth disease recessive intermediate C. Also called: CHARCOT-MARIE-TOOTH NEUROPATHY, RECESSIVE INTERMEDIATE C. Identifiers: Orphanet 369867, MedGen C3809309, MONDO:0014154, OMIM 615376.
Neuronopathy, distal hereditary motor, autosomal recessive 4. Also called: Autosomal recessive lower motor neuron disease with childhood onset; NEUROPATHY, DISTAL HEREDITARY MOTOR, AUTOSOMAL RECESSIVE 4. Identifiers: Orphanet 206580, MedGen C1970211, MONDO:0012608, OMIM 611067.

Allele frequency attached by ClinVar (database versions not stated): gnomAD 0.00001; TOPMed 0.00001; gnomAD exomes 0.00002 and 0.00003; ExAC 0.00003.
gnomAD v4.1: 42 of 1,613,738 alleles (0.0026%); highest among the groups gnomAD compares: Middle Eastern, 0.049%; no homozygotes.

Submissions (2):

Labcorp Genetics (formerly Invitae), Labcorp
Classification: Uncertain significance for Neuronopathy, distal hereditary motor, autosomal recessive 4; Charcot-Marie-Tooth disease recessive intermediate C. Last evaluated: 2024-08-29. Review status: criteria provided, single submitter. Criteria: Invitae Variant Classification Sherloc (09022015). Collection method: clinical testing. Allele origin: germline.
Comment: This sequence change replaces proline, which is neutral and non-polar, with alanine, which is neutral and non-polar, at codon 644 of the PLEKHG5 protein (p.Pro644Ala). This variant is present in population databases (rs781318885, gnomAD 0.01%). This variant has not been reported in the literature in individuals affected with PLEKHG5-related conditions. ClinVar contains an entry for this variant (Variation ID: 1038197). An algorithm developed to predict the effect of missense changes on protein structure and function (PolyPhen-2) suggests that this variant¬¨‚Ä†is likely to be tolerated. In summary, the available evidence is currently insufficient to determine the role of this variant in disease. Therefore, it has been classified as a Variant of Uncertain Significance.

Ambry Genetics
Classification: Uncertain significance for Inborn genetic diseases. Last evaluated: 2024-07-14. Review status: criteria provided, single submitter. Criteria: Ambry Variant Classification Scheme 2023. Collection method: clinical testing. Allele origin: germline.

NM_020631.6(PLEKHG5):c.1930C>G (p.Pro644Ala)

Gene: PLEKHG5 (pleckstrin homology and RhoGEF domain containing G5; minus strand). Cytogenetic location: 1p36.31.
Variant type: single nucleotide variant.
Coding change: c.1930C>G on transcript NM_020631.6 (MANE Select); coding-DNA position 1930, C replaced by G.
Protein change: p.Pro644Ala; replaces proline 644 with alanine.
Molecular consequence: missense variant.
Genome position (GRCh38, 1-based): chr1:6,469,547, G>C on the plus strand (C>G on the coding strand, the complement: PLEKHG5 is on the minus strand). VCF-style: chr1-6469547-G-C. GRCh37 (hg19) VCF-style: chr1-6529607-G-C.
Other names: c.2041C>G, p.Pro681Ala (NM_001042663.3, NM_001265592.2); c.1930C>G, p.Pro644Ala (NM_001042664.2, NM_001265594.3, NM_198681.4 and 1 more transcripts); c.2137C>G, p.Pro713Ala (NM_001265593.2); short protein forms P644A, P681A, P713A.
Identifiers: ClinVar variation 1038197 (VCV001038197.6), dbSNP rs781318885, ClinGen allele CA561317.